The following is an entry in ClinVar:

NM_000255.4(MMUT):c.1559A>C (p.Lys520Thr)

Gene: MMUT (methylmalonyl-CoA mutase; minus strand). Cytogenetic location: 6p12.3.
Variant type: single nucleotide variant.
Coding change: c.1559A>C on transcript NM_000255.4 (MANE Select); coding-DNA position 1559, A replaced by C.
Protein change: p.Lys520Thr; replaces lysine 520 with threonine.
Molecular consequence: missense variant.
Genome position (GRCh38, 1-based): chr6:49,447,671, T>G on the plus strand (A>C on the coding strand, the complement: MMUT is on the minus strand). VCF-style: chr6-49447671-T-G. GRCh37 (hg19) VCF-style: chr6-49415384-T-G.
Other names: c.1559A>C (NM_000255.3); short protein forms K520T.
Identifiers: ClinVar variation 1146085 (VCV001146085.10), dbSNP rs199655896, ClinGen allele CA3846850.
Genomic context (GRCh38, chr6:49,447,671, plus strand): 5'-GCCAGAGCCCAGAACACAGAAAATACTTAAAAAAAAAAAAAAAAGCAAGCTATTAATACC[T>G]TCTTAAGTTTTTCAATCTGCCTGTTTCGCACTGAAGTATTATCAATTGCCAGAACTTCTA-3'
Protein context (NP_000246.2, residues 510-530): VRNRQIEKLK[Lys520Thr]IKSSRDQALA

ClinVar aggregate classification (germline): Conflicting classifications of pathogenicity. Review status: criteria provided, conflicting classifications (1 of 4 stars). 2 submissions from 2 submitters: Uncertain significance (1); Likely benign (1). Last evaluated 2024-06-24.

Allele frequency attached by ClinVar (database versions not stated): gnomAD exomes 0.00013 and 0.00036; 1000 Genomes Project 30x 0.00016; ESP Exome Variant Server 0.00008; gnomAD 0.00019; 1000 Genomes Project 0.00020; ExAC 0.00021.
gnomAD v4.1: 211 of 1,560,974 alleles (0.014%); highest among the groups gnomAD compares: African/African-American, 0.0014%; no homozygotes.

Submissions (2):

Labcorp Genetics (formerly Invitae), Labcorp
Classification: Likely benign. Last evaluated: 2024-06-24. Review status: criteria provided, single submitter. Criteria: Invitae Variant Classification Sherloc (09022015). Collection method: clinical testing. Allele origin: germline.

GeneDx
Classification: Uncertain significance. Last evaluated: 2024-05-22. Review status: criteria provided, single submitter. Criteria: GeneDx Variant Classification Process June 2021. Collection method: clinical testing. Allele origin: germline. Affected: yes.
Comment: In silico analysis supports that this missense variant has a deleterious effect on protein structure/function; Has not been previously published as pathogenic or benign to our knowledge